The following is an entry in ClinVar:

NM_005634.3(SOX3):c.720T>C (p.Ala240=)

Gene: SOX3 (SRY-box transcription factor 3; minus strand). Cytogenetic location: Xq27.1.
Variant type: single nucleotide variant.
Coding change: c.720T>C on transcript NM_005634.3 (MANE Select); coding-DNA position 720, T replaced by C.
Protein change: p.Ala240=; no amino-acid change (alanine 240 retained).
Molecular consequence: synonymous variant.
Genome position (GRCh38, 1-based): chrX:140,504,341, A>G on the plus strand (T>C on the coding strand, the complement: SOX3 is on the minus strand). VCF-style: chrX-140504341-A-G. GRCh37 (hg19) VCF-style: chrX-139586506-A-G.
Identifiers: ClinVar variation 4738054 (VCV004738054.2).

ClinVar aggregate classification (germline): Likely benign. Review status: criteria provided, multiple submitters, no conflicts (2 of 4 stars). 2 submissions from 2 submitters: Likely benign (2). Last evaluated 2026-05-04.

Submissions (2):

Women's Health and Genetics/Laboratory Corporation of America, LabCorp
Classification: Likely benign. Last evaluated: 2026-05-04. Review status: criteria provided, single submitter. Criteria: LabCorp Variant Classification Summary - May 2015. Collection method: clinical testing. Allele origin: germline.
Comment: Variant summary: SOX3 c.720T>C results in a synonymous change. Consensus agreement among computation tools predict no significant impact on normal splicing. However, these predictions have yet to be confirmed by functional studies. The frequency data for this variant in gnomAD is considered unreliable, as metrics indicate poor data quality at this position. To our knowledge, no occurrence of c.720T>C in individuals affected with SOX3-related conditions and no experimental evidence demonstrating its impact on protein function have been reported. ClinVar contains an entry for this variant (Variation ID: 4738054). Based on the evidence outlined above, the variant was classified as likely benign.

Labcorp Genetics (formerly Invitae), Labcorp
Classification: Likely benign. Last evaluated: 2025-09-09. Review status: criteria provided, single submitter. Criteria: Invitae Variant Classification Sherloc (09022015). Collection method: clinical testing. Allele origin: germline.